The following is an entry in ClinVar:

NM_001130987.2(DYSF):c.4631A>G (p.Tyr1544Cys)

Gene: DYSF (dysferlin; plus strand). Cytogenetic location: 2p13.2.
Variant type: single nucleotide variant.
Coding change: c.4631A>G on transcript NM_001130987.2 (MANE Select); coding-DNA position 4631, A replaced by G.
Protein change: p.Tyr1544Cys; replaces tyrosine 1544 with cysteine.
Molecular consequence: missense variant.
Genome position (GRCh38, 1-based): chr2:71,656,166, A>G. VCF-style: chr2-71656166-A-G. GRCh37 (hg19) VCF-style: chr2-71883296-A-G.
Other names: c.4517A>G, p.Tyr1506Cys (NM_001130455.2); c.4472A>G, p.Tyr1491Cys (NM_001130976.2); c.4535A>G, p.Tyr1512Cys (NM_001130977.2); c.4577A>G, p.Tyr1526Cys (NM_001130978.2); c.4607A>G, p.Tyr1536Cys (NM_001130979.2); c.4565A>G, p.Tyr1522Cys (NM_001130980.2); c.4628A>G, p.Tyr1543Cys (NM_001130981.2); c.4610A>G, p.Tyr1537Cys (NM_001130982.2); and 5 more; short protein forms Y1505C, Y1544C, Y1491C, Y1506C, Y1512C, Y1513C, Y1543C, Y1492C.
Identifiers: ClinVar variation 550017 (VCV000550017.20), dbSNP rs757820496, ClinGen allele CA1707097.
Genomic context (GRCh38, chr2:71,656,166, plus strand): 5'-GTTGTTCTACTTTCTTTCTGTCTCTTGTCCCCTCCTCTAATCCCCATGTGTGGCAGGTCT[A>G]TGACACACAGCTGGAGAATGTGGAGGCCTTTGAGGGCCTGTCTGACTTTTGTAACACCTT-3'
Protein context (NP_001124459.1, residues 1534-1554): LEKDFDTLKV[Tyr1544Cys]DTQLENVEAF

ClinVar aggregate classification (germline): Conflicting classifications of pathogenicity. Review status: criteria provided, conflicting classifications (1 of 4 stars). 7 submissions from 7 submitters: Likely pathogenic (6); Uncertain significance (1). Last evaluated 2025-12-02.

Conditions:
Autosomal recessive limb-girdle muscular dystrophy. Identifiers: Orphanet 102015, MedGen C2931907, MONDO:0015152.
Neuromuscular disease caused by qualitative or quantitative defects of dysferlin. Also called: Dysferlinopathy; Qualitative or quantitative defects of dysferlin. Identifiers: Orphanet 207073, MedGen C2931687, MONDO:0016145.
Autosomal recessive limb-girdle muscular dystrophy type 2B (LGMDR2). Also called: MUSCULAR DYSTROPHY, LIMB-GIRDLE, TYPE 3; Limb-girdle muscular dystrophy, type 2B; Limb-Girdle Muscular Dystrophy Type 2B (LGMD2B); MUSCULAR DYSTROPHY, LIMB-GIRDLE, AUTOSOMAL RECESSIVE 2. Identifiers: Orphanet 268, MedGen C1850889, MONDO:0009676, OMIM 253601.
Distal myopathy with anterior tibial onset. Identifiers: Orphanet 178400, MedGen C1847532, MONDO:0011721, OMIM 606768.
Miyoshi muscular dystrophy 1 (MMD1). Identifiers: Orphanet 45448, MedGen C4551973, MONDO:0024545, OMIM 254130.

Allele frequency attached by ClinVar (database versions not stated): gnomAD exomes below 0.00001; ExAC 0.00001; gnomAD 0.00001; TOPMed 0.00001.
gnomAD v4.1: 9 of 1,613,856 alleles (0.00056%); highest among the groups gnomAD compares: Admixed American, 0.0017%; no homozygotes.

Submissions (7):

Myriad Genetics, Inc.
Classification: Uncertain significance for Autosomal recessive limb-girdle muscular dystrophy. Last evaluated: 2025-12-02. Review status: criteria provided, single submitter. Criteria: Myriad Autosomal Dominant, Autosomal Recessive and X-Linked Classification Criteria (2023). Collection method: clinical testing. Allele origin: unknown.
Comment: NM_003494.3(DYSF):c.4514A>G(Y1505C) is a missense variant classified as a variant of uncertain significance in the context of dysferlinopathy. Y1505C has been observed in cases with relevant disease (PMID: 15469449, 21522182). Relevant functional assessments of this variant are not available in the literature. Y1505C has been observed in referenced population frequency databases. In summary, there is insufficient evidence to classify NM_003494.3(DYSF):c.4514A>G(Y1505C) as pathogenic or benign. Please note: this variant was assessed in the context of healthy population screening.

Natera, Inc.
Classification: Likely pathogenic for Limb-girdle muscular dystrophy type 2B. Last evaluated: 2025-06-16. Review status: criteria provided, single submitter. Criteria: Natera Variant Classification Schema (03/2026). Collection method: clinical testing. Allele origin: germline.
Comment: The c.4514A>G variant in DYSF is a missense variant predicted to cause substitution of tyrosine to cysteine at amino acid 1505. This variant is rare in the general population with a frequency below the threshold expected for the associated phenotype(s). This variant has been observed in one or more individuals affected with the associated recessive disease, as either homozygous or compound heterozygous with a second variant (PMID: 21522182). Additionally, this variant has been observed to segregate in affected family members (PMID: 21522182). Computational prediction algorithms indicate this variant is likely to affect gene or protein function. Given the available evidence, this variant is classified as Likely Pathogenic.

Fulgent Genetics
Classification: Likely pathogenic for Autosomal recessive limb-girdle muscular dystrophy type 2B; Miyoshi muscular dystrophy 1; Distal myopathy with anterior tibial onset. Last evaluated: 2024-04-24. Review status: criteria provided, single submitter. Criteria: ACMG Guidelines, 2015. Collection method: clinical testing. Allele origin: germline.

Baylor Genetics
Classification: Likely pathogenic for Miyoshi muscular dystrophy 1. Last evaluated: 2024-03-18. Review status: criteria provided, single submitter. Criteria: ACMG Guidelines, 2015. Collection method: clinical testing. Allele origin: unknown.

Labcorp Genetics (formerly Invitae), Labcorp
Classification: Likely pathogenic for Neuromuscular disease caused by qualitative or quantitative defects of dysferlin. Last evaluated: 2023-12-04. Review status: criteria provided, single submitter. Criteria: Invitae Variant Classification Sherloc (09022015). Collection method: clinical testing. Allele origin: germline.
Comment: This sequence change replaces tyrosine, which is neutral and polar, with cysteine, which is neutral and slightly polar, at codon 1505 of the DYSF protein (p.Tyr1505Cys). This variant is present in population databases (rs757820496, gnomAD 0.0009%). This missense change has been observed in individual(s) with DYSF-related conditions (PMID: 15469449, 21522182). ClinVar contains an entry for this variant (Variation ID: 550017). Advanced modeling of protein sequence and biophysical properties (such as structural, functional, and spatial information, amino acid conservation, physicochemical variation, residue mobility, and thermodynamic stability) has been performed at Invitae for this missense variant, however the output from this modeling did not meet the statistical confidence thresholds required to predict the impact of this variant on DYSF protein function. In summary, the currently available evidence indicates that the variant is pathogenic, but additional data are needed to prove that conclusively. Therefore, this variant has been classified as Likely Pathogenic.

Women's Health and Genetics/Laboratory Corporation of America, LabCorp
Classification: Likely pathogenic for Autosomal recessive limb-girdle muscular dystrophy. Last evaluated: 2023-05-09. Review status: criteria provided, single submitter. Criteria: LabCorp Variant Classification Summary - May 2015. Collection method: clinical testing. Allele origin: germline.
Comment: Variant summary: DYSF c.4514A>G (p.Tyr1505Cys) results in a non-conservative amino acid change in the encoded protein sequence. Five of five in-silico tools predict a damaging effect of the variant on protein function. The variant allele was found at a frequency of 4e-06 in 251474 control chromosomes. c.4514A>G has been reported in the literature in individuals affected with Limb-Girdle Muscular Dystrophy in at least 3 compound heterozygous patients with marked reduction in Dysferlin in skeletal muscle (<5%), including a sibling pair (Kawabe_2004, Cacciottolo_2011). To our knowledge, no experimental evidence demonstrating an impact on protein function has been reported. The following publications have been ascertained in the context of this evaluation (PMID: 21522182, 15469449). Three clinical diagnostic laboratories have submitted clinical-significance assessments for this variant to ClinVar after 2014 without evidence for independent evaluation. Two submitters classified the variant as likely pathogenic while one classified as VUS. Based on the evidence outlined above, the variant was classified as likely pathogenic.

Revvity Omics, Revvity
Classification: Likely pathogenic. Last evaluated: 2020-06-05. Review status: criteria provided, single submitter. Criteria: ACMG Guidelines, 2015. Collection method: clinical testing. Allele origin: germline.

Literature cited by the submitters: PubMed 15469449 (cited by 3 submitters); PubMed 21522182 (cited by 4 submitters).